The following is an entry in ClinVar:

NC_012920.1(MT-CYB):m.15882G>A

Gene: MT-CYB (mitochondrially encoded cytochrome b; plus strand).
Variant type: single nucleotide variant.
Genome position: chrM-15882-G-A.
Identifiers: ClinVar variation 693972 (VCV000693972.1), dbSNP rs1603225560, ClinGen allele CA913175106.

ClinVar aggregate classification (germline): Uncertain significance (1 of 4 stars; one submission).

Conditions:
Leigh syndrome (NULS). Also called: Leigh's necrotizing encephalopathy; Leigh's disease; Leigh's syndrome; LEIGH SYNDROME, NUCLEAR; Leigh Syndrome (mtDNA deletion); Leigh Disease. Identifiers: Orphanet 506, MedGen C2931891, MONDO:0009723, OMIM 256000.

Submission:

Wong Mito Lab, Molecular and Human Genetics, Baylor College of Medicine
Classification: Uncertain significance for Leigh syndrome. Last evaluated: 2019-10-17. Review status: criteria provided, single submitter. Criteria: Modified ACMG Guidelines (Unpublished). Collection method: clinical testing. Allele origin: germline.
Comment: The NC_012920.1:m.15882G>A (YP_003024038.1:p.Trp379Ter) variant in MTCYB gene is interpretated to be a Uncertain Significance variant based on the modified ACMG guidelines (unpublished). This variant meets the following evidence codes: PP6, PP7